The following is an entry in ClinVar:

NM_014921.5(ADGRL1):c.2206G>A (p.Glu736Lys)

Genes: ADGRL1-AS1 (ADGRL1 antisense RNA 1; plus strand), ADGRL1 (adhesion G protein-coupled receptor L1; minus strand). Cytogenetic location: 19p13.12.
Variant type: single nucleotide variant.
Coding change: c.2206G>A on transcript NM_014921.5 (MANE Select); coding-DNA position 2206, G replaced by A.
Protein change: p.Glu736Lys; replaces glutamic acid 736 with lysine.
Molecular consequence: missense variant.
Genome position (GRCh38, 1-based): chr19:14,158,496, C>T on the plus strand (G>A on the coding strand, the complement: ADGRL1 is on the minus strand). VCF-style: chr19-14158496-C-T. GRCh37 (hg19) VCF-style: chr19-14269308-C-T.
Other names: c.2221G>A, p.Glu741Lys (NM_001008701.3); short protein forms E736K, E741K.
Identifiers: ClinVar variation 3254635 (VCV003254635.1), dbSNP rs1969001238.

ClinVar aggregate classification (germline): Uncertain significance (1 of 4 stars; one submission).

Conditions:
Developmental delay, behavioral abnormalities, and neuropsychiatric disorders (DEDBANP). Identifiers: MedGen C5774224, MONDO:0859292, OMIM 620065.

Allele frequency attached by ClinVar (database versions not stated): gnomAD exomes below 0.00001.
gnomAD v4.1: 1 of 1,614,088 alleles (0.000062%); highest among the groups gnomAD compares: Non-Finnish European, 0.000085%; no homozygotes.

Submission:

Victorian Clinical Genetics Services, Murdoch Childrens Research Institute
Classification: Uncertain significance for Developmental delay, behavioral abnormalities, and neuropsychiatric disorders. Last evaluated: 2023-07-17. Review status: criteria provided, single submitter. Criteria: ACMG Guidelines, 2015. Collection method: clinical testing. Allele origin: germline. Inheritance: Autosomal dominant inheritance. Affected: yes.
Comment: Based on the classification scheme VCGS_Germline_v1.3.4, this variant is classified as VUS-3B. Following criteria are met: 0102 - Loss of function is a known mechanism of disease in this gene and is associated with developmental delay, behavioural abnormalities, and neuropsychiatric disorders (MIM#620065) (PMID: 35907405). (I) 0107 - This gene is associated with autosomal dominant disease. (I) 0115 - Variants in this gene are known to have variable expressivity (PMID: 35907405). (I) 0200 - Variant is predicted to result in a missense amino acid change from glutamic acid to lysine. (I) 0251 - This variant is heterozygous. (I) 0301 - Variant is absent from gnomAD (both v2 and v3). (SP) 0502 - Missense variant with conflicting in silico predictions and uninformative conservation. (I) 0600 - Variant is located in the annotated GAIN domain (DECIPHER). (I) 0705 - No comparable missense variants have previous evidence for pathogenicity. (I) 0807 - This variant has no previous evidence of pathogenicity. (I) 0905 - No published segregation evidence has been identified for this variant. (I) 1007 - No published functional evidence has been identified for this variant. (I) 1208 - Inheritance information for this variant is not currently available in this individual. (I) Legend: (SP) - Supporting pathogenic, (I) - Information, (SB) - Supporting benign

Literature cited by the submitters: PubMed 35907405.